The following is an entry in ClinVar:

ClinVar aggregate classification (germline): Uncertain significance. Review status: criteria provided, multiple submitters, no conflicts (2 of 4 stars). 4 submissions from 4 submitters: Uncertain significance (4). Last evaluated 2025-12-17.

Conditions:
Dyskeratosis congenita. Identifiers: Orphanet 1775, MedGen C0265965, MONDO:0015780.
Pulmonary fibrosis and/or bone marrow failure, Telomere-related, 3. Also called: PULMONARY FIBROSIS AND/OR BONE MARROW FAILURE SYNDROME, TELOMERE-RELATED, 3. Identifiers: Orphanet 2032, MedGen C4225346, MONDO:0014613, OMIM 616373.
Dyskeratosis congenita, autosomal recessive 5 (DKCB5). Identifiers: MedGen C3554656, MONDO:0014076, OMIM 615190.

Allele frequency attached by ClinVar (database versions not stated): gnomAD 0.00002 and 0.00003; TOPMed 0.00003; 1000 Genomes Project 30x 0.00016; 1000 Genomes Project 0.00020.
gnomAD v4.1: 43 of 1,608,974 alleles (0.0027%); highest among the groups gnomAD compares: African/African-American, 0.004%; no homozygotes.

Submissions (4):

Labcorp Genetics (formerly Invitae), Labcorp
Classification: Uncertain significance for Dyskeratosis congenita, autosomal recessive 5; Pulmonary fibrosis and/or bone marrow failure, Telomere-related, 3. Last evaluated: 2025-12-17. Review status: criteria provided, single submitter. Criteria: Invitae Variant Classification Sherloc (09022015). Collection method: clinical testing. Allele origin: germline.
Comment: This sequence change affects codon 884 of the RTEL1 mRNA. It is a 'silent' change, meaning that it does not change the encoded amino acid sequence of the RTEL1 protein. This variant also falls at the last nucleotide of exon 28, which is part of the consensus splice site for this exon. This variant is present in population databases (rs201784607, gnomAD 0.003%). This variant has not been reported in the literature in individuals affected with RTEL1-related conditions. ClinVar contains an entry for this variant (Variation ID: 1692621). Variants that disrupt the consensus splice site are a relatively common cause of aberrant splicing (PMID: 17576681, 9536098). Algorithms developed to predict the effect of sequence changes on RNA splicing suggest that this variant may disrupt the consensus splice site. In summary, the available evidence is currently insufficient to determine the role of this variant in disease. Therefore, it has been classified as a Variant of Uncertain Significance.

GeneDx
Classification: Uncertain significance. Last evaluated: 2025-06-13. Review status: criteria provided, single submitter. Criteria: GeneDx Variant Classification Process June 2021. Collection method: clinical testing. Allele origin: germline. Affected: yes.
Comment: Not observed at significant frequency in large population cohorts (gnomAD); Has not been previously published as pathogenic or benign to our knowledge; In silico analysis is inconclusive as to whether the variant alters gene splicing. In the absence of RNA/functional studies, the actual effect of this sequence change is unknown.

Sema4
Classification: Uncertain significance for Dyskeratosis congenita. Last evaluated: 2021-12-28. Review status: criteria provided, single submitter. Criteria: Sema4 Curation Guidelines. Collection method: curation. Allele origin: germline.
Comment: The RTEL1 c.2652G>A (p.P884=) variant has not been reported in the literature to our knowledge. This variant is also referred as c.2724G>A (p.P908=) using reference sequence NM_032957.4. It was observed in 3/110160 chromosomes of the Non-Finnish European (NFE) subpopulation in the large and broad cohorts of the Genome Aggregation Database (PMID: 32461654). This variant has not been reported in ClinVar. This variant is at the last nucleotide position of exon 28. In silico tools that predict the effect of sequence changes on splicing suggest that this variant may impact splicing, though these predictions have not been confirmed by functional studies. The evidence is insufficient to meet ACMG/AMP criteria for classifying the variant as benign or pathogenic. Thus, the clinical significance of this variant is currently uncertain.

Blueprint Genetics
Classification: Uncertain significance. Last evaluated: 2020-08-21. Review status: criteria provided, single submitter. Criteria: ACMG Guidelines, 2015. Collection method: clinical testing. Allele origin: germline.

Literature cited by the submitters: PubMed 17576681 (cited by Labcorp Genetics (formerly Invitae), Labcorp); PubMed 9536098 (cited by Labcorp Genetics (formerly Invitae), Labcorp).

NM_001283009.2(RTEL1):c.2652G>A (p.Pro884=)

Genes: RTEL1 (regulator of telomere elongation helicase 1; plus strand), RTEL1-TNFRSF6B (RTEL1-TNFRSF6B readthrough (NMD candidate); plus strand). Cytogenetic location: 20q13.33.
Variant type: single nucleotide variant.
Coding change: c.2652G>A on transcript NM_001283009.2 (MANE Select); coding-DNA position 2652, G replaced by A.
Protein change: p.Pro884=; no amino-acid change (proline 884 retained).
Molecular consequence: synonymous variant. On other transcripts: non-coding transcript variant (1).
Genome position (GRCh38, 1-based): chr20:63,691,837, G>A. VCF-style: chr20-63691837-G-A. GRCh37 (hg19) VCF-style: chr20-62323190-G-A.
Other names: c.1983G>A, p.Pro661= (NM_001283010.1); c.2652G>A, p.Pro884= (NM_016434.4); c.2724G>A, p.Pro908= (NM_032957.5).
Identifiers: ClinVar variation 1692621 (VCV001692621.7), dbSNP rs201784607, ClinGen allele CA9965447.